The following is an entry in ClinVar:

ClinVar aggregate classification (germline): Uncertain significance. Review status: criteria provided, multiple submitters, no conflicts (2 of 4 stars). 3 submissions from 3 submitters: Uncertain significance (3). Last evaluated 2024-12-24.

Conditions:
Inborn genetic diseases. Identifiers: MedGen C0950123, MeSH D030342.
Hyperornithinemia-hyperammonemia-homocitrullinuria syndrome (HHHS). Also called: HHH SYNDROME; Ornithine translocase deficiency. Identifiers: Orphanet 415, MedGen C0268540, MONDO:0009393, OMIM 238970.

Allele frequency attached by ClinVar (database versions not stated): TOPMed 0.00002; gnomAD exomes 0.00003 and 0.00001; ExAC 0.00002; gnomAD 0.00002.
gnomAD v4.1: 17 of 1,612,576 alleles (0.0011%); highest among the groups gnomAD compares: Admixed American, 0.0083%; no homozygotes.

Submissions (3):

3billion
Classification: Uncertain significance for Hyperornithinemia-hyperammonemia-homocitrullinuria syndrome. Last evaluated: 2024-12-24. Review status: criteria provided, single submitter. Criteria: ACMG Guidelines, 2015. Collection method: clinical testing. Allele origin: germline. Affected: yes.
Comment: The variant is observed at an extremely low frequency in the gnomAD v4.1.0 dataset (total allele frequency: 0.001%). Predicted Consequence/Location: Missense variant In silico tool predictions suggest damaging effect of the variant on gene or gene product [REVEL: 0.92 (>=0.6, sensitivity 0.68 and specificity 0.92)]. The variant has been reported as of uncertain significance (ClinVar ID: VCV000645654). Therefore, this variant is classified as VUS according to the recommendation of ACMG/AMP guideline.

Ambry Genetics
Classification: Uncertain significance for Inborn genetic diseases. Last evaluated: 2024-05-29. Review status: criteria provided, single submitter. Criteria: Ambry Variant Classification Scheme 2023. Collection method: clinical testing. Allele origin: germline.

Labcorp Genetics (formerly Invitae), Labcorp
Classification: Uncertain significance for Hyperornithinemia-hyperammonemia-homocitrullinuria syndrome. Last evaluated: 2021-08-24. Review status: criteria provided, single submitter. Criteria: Invitae Variant Classification Sherloc (09022015). Collection method: clinical testing. Allele origin: germline.
Comment: This sequence change replaces glutamic acid with lysine at codon 288 of the SLC25A15 protein (p.Glu288Lys). The glutamic acid residue is highly conserved and there is a small physicochemical difference between glutamic acid and lysine. This variant is present in population databases (rs751176510, ExAC 0.02%). This variant has not been reported in the literature in individuals affected with SLC25A15-related conditions. Algorithms developed to predict the effect of missense changes on protein structure and function (SIFT, PolyPhen-2, Align-GVGD) all suggest that this variant is likely to be disruptive. In summary, the available evidence is currently insufficient to determine the role of this variant in disease. Therefore, it has been classified as a Variant of Uncertain Significance.

NM_014252.4(SLC25A15):c.862G>A (p.Glu288Lys)

Gene: SLC25A15 (solute carrier family 25 member 15; plus strand). Cytogenetic location: 13q14.11.
Variant type: single nucleotide variant.
Coding change: c.862G>A on transcript NM_014252.4 (MANE Select); coding-DNA position 862, G replaced by A.
Protein change: p.Glu288Lys; replaces glutamic acid 288 with lysine.
Molecular consequence: missense variant.
Genome position (GRCh38, 1-based): chr13:40,809,623, G>A. VCF-style: chr13-40809623-G-A. GRCh37 (hg19) VCF-style: chr13-41383759-G-A.
Other names: short protein forms E288K.
Identifiers: ClinVar variation 645654 (VCV000645654.8), dbSNP rs751176510, ClinGen allele CA6959846.